The following is an entry in ClinVar:

NM_001267550.2(TTN):c.10188A>G (p.Glu3396=)

Gene: TTN (titin; minus strand). Cytogenetic location: 2q31.2.
Variant type: single nucleotide variant.
Coding change: c.10188A>G on transcript NM_001267550.2 (MANE Select); coding-DNA position 10188, A replaced by G.
Protein change: p.Glu3396=; no amino-acid change (glutamic acid 3396 retained).
Molecular consequence: synonymous variant.
Genome position (GRCh38, 1-based): chr2:178,759,099, T>C on the plus strand (A>G on the coding strand, the complement: TTN is on the minus strand). VCF-style: chr2-178759099-T-C. GRCh37 (hg19) VCF-style: chr2-179623826-T-C.
Other names: p.E3396E:GAA>GAG; c.10188A>G, p.Glu3396= (NM_001256850.1, NM_133378.4, NM_133379.5); c.10050A>G, p.Glu3350= (NM_003319.4, NM_133432.3, NM_133437.4).
Identifiers: ClinVar variation 46580 (VCV000046580.77), dbSNP rs183336802, ClinGen allele CA282640.

ClinVar aggregate classification (germline): Conflicting classifications of pathogenicity. Review status: criteria provided, conflicting classifications (1 of 4 stars). 20 submissions from 16 submitters: Uncertain significance (3); Benign (7); Likely benign (6). 4 of the submissions do not count toward it. Last evaluated 2026-08-01.

Conditions:
Cardiovascular phenotype. Identifiers: MedGen CN230736.
Autosomal recessive limb-girdle muscular dystrophy type 2J (LGMDR10). Also called: MUSCULAR DYSTROPHY, LIMB-GIRDLE, AUTOSOMAL RECESSIVE 10; Limb-girdle muscular dystrophy, type 2J. Identifiers: Orphanet 140922, MedGen C1837342, MONDO:0012127, OMIM 608807.
Dilated cardiomyopathy 1G (CMD1G). Identifiers: Orphanet 154, MedGen C1858763, MONDO:0011400, OMIM 604145.
Cardiomyopathy (CMYO). Also called: Cardiomyopathies. Identifiers: Orphanet 167848, MedGen C0878544, MONDO:0004994, HP:0001638. Inheritance: Various modes of inheritance.
Early-onset myopathy with fatal cardiomyopathy (CMYO5). Also called: CONGENITAL MYOPATHY 5 WITH CARDIOMYOPATHY; Salih Myopathy. Identifiers: Orphanet 289377, MedGen C2673677, MONDO:0012714, OMIM 611705. Disease mechanism: loss of function.
Myopathy, myofibrillar, 9, with early respiratory failure (MFM9). Also called: Myopathy, distal, with early respiratory failure, autosomal dominant; Hereditary myopathy with early respiratory failure; EDSTROM MYOPATHY; MYOPATHY, PROXIMAL, WITH EARLY RESPIRATORY MUSCLE INVOLVEMENT. Identifiers: Orphanet 178464, Orphanet 34521, MedGen C1863599, MONDO:0011362, OMIM 603689.
Tibial muscular dystrophy (TMD). Also called: Tibial muscular dystrophy, tardive; Udd Distal Myopathy – Tibial Muscular Dystrophy; UDD MYOPATHY. Identifiers: Orphanet 609, MedGen C1838244, MONDO:0010870, OMIM 600334.

Allele frequency attached by ClinVar (database versions not stated): 1000 Genomes Project 0.00020; gnomAD 0.00022 and 0.00027; ESP Exome Variant Server 0.00015; gnomAD exomes 0.00017 and 0.00028; 1000 Genomes Project 30x 0.00016; TOPMed 0.00023; ExAC 0.00027.
gnomAD v4.1: 299 of 1,614,064 alleles (0.019%); highest among the groups gnomAD compares: South Asian, 0.13%; no homozygotes.

Submissions (20):

CeGaT Center for Human Genetics Tuebingen
Classification: Likely benign. Last evaluated: 2026-08-01. Review status: criteria provided, single submitter. Criteria: CeGaT Center For Human Genetics Tuebingen Variant Classification Criteria Version 2. Collection method: clinical testing. Allele origin: germline. Affected: yes. Observed: 9 variant alleles.
Comment: TTN: BP4

Labcorp Genetics (formerly Invitae), Labcorp
Classification: Benign for Dilated cardiomyopathy 1G; Autosomal recessive limb-girdle muscular dystrophy type 2J. Last evaluated: 2026-02-01. Review status: criteria provided, single submitter. Criteria: Invitae Variant Classification Sherloc (09022015). Collection method: clinical testing. Allele origin: germline.

Molecular Diagnostic Laboratory for Inherited Cardiovascular Disease, Montreal Heart Institute
Classification: Benign. Last evaluated: 2025-04-09. Review status: criteria provided, single submitter. Criteria: ACMG Guidelines, 2015. Collection method: clinical testing. Allele origin: germline. Affected: no.
Comment: BS1; BP7

Blueprint Genetics
Classification: Likely benign. Last evaluated: 2024-11-07. Review status: criteria provided, single submitter. Criteria: ACMG Guidelines, 2015. Collection method: clinical testing. Allele origin: germline.

Revvity Omics, Revvity
Classification: Benign. Last evaluated: 2023-08-25. Review status: criteria provided, single submitter. Criteria: ACMG Guidelines, 2015. Collection method: clinical testing. Allele origin: germline.

Women's Health and Genetics/Laboratory Corporation of America, LabCorp
Classification: Likely benign. Last evaluated: 2022-01-02. Review status: criteria provided, single submitter. Criteria: LabCorp Variant Classification Summary - May 2015. Collection method: clinical testing. Allele origin: germline.

Ambry Genetics
Classification: Benign for Cardiovascular phenotype. Last evaluated: 2020-11-23. Review status: criteria provided, single submitter. Criteria: Ambry Variant Classification Scheme 2023. Collection method: clinical testing. Allele origin: germline.

CHEO Genetics Diagnostic Laboratory, Children's Hospital of Eastern Ontario
Classification: Likely benign for Cardiomyopathy. Last evaluated: 2020-08-11. Review status: criteria provided, single submitter. Criteria: ACMG Guidelines, 2015. Collection method: clinical testing. Allele origin: germline.

Eurofins Ntd Llc (ga)
Classification: Likely benign. Last evaluated: 2018-07-16. Review status: criteria provided, single submitter. Criteria: EGL ClinVar v180209 classification definitions. Collection method: clinical testing. Allele origin: germline. Observed: 3 variant alleles, 3 heterozygotes.

Illumina Laboratory Services, Illumina
Classification: Benign for Tibial muscular dystrophy. Last evaluated: 2018-01-13. Review status: criteria provided, single submitter. Criteria: ICSL Variant Classification Criteria 13 December 2019. Collection method: clinical testing. Allele origin: germline.
Comment: This variant was observed in the ICSL laboratory as part of a predisposition screen in an ostensibly healthy population. It had not been previously curated by ICSL or reported in the Human Gene Mutation Database (HGMD: prior to June 1st, 2018), and was therefore a candidate for classification through an automated scoring system. Utilizing variant allele frequency, disease prevalence and penetrance estimates, and inheritance mode, an automated score was calculated to assess if this variant is too frequent to cause the disease. Based on the score and internal cut-off values, a variant classified as benign is not then subjected to further curation. The score for this variant resulted in a classification of benign for this disease.

Illumina Laboratory Services, Illumina
Classification: Uncertain significance for Dilated cardiomyopathy 1G. Last evaluated: 2018-01-13. Review status: criteria provided, single submitter. Criteria: ICSL Variant Classification Criteria 13 December 2019. Collection method: clinical testing. Allele origin: germline.

Illumina Laboratory Services, Illumina
Classification: Benign for Myopathy, myofibrillar, 9, with early respiratory failure. Last evaluated: 2018-01-13. Review status: criteria provided, single submitter. Criteria: ICSL Variant Classification Criteria 13 December 2019. Collection method: clinical testing. Allele origin: germline.
Comment: the same text as in the submission from Illumina Laboratory Services, Illumina above.

Illumina Laboratory Services, Illumina
Classification: Uncertain significance for Autosomal recessive limb-girdle muscular dystrophy type 2J. Last evaluated: 2018-01-13. Review status: criteria provided, single submitter. Criteria: ICSL Variant Classification Criteria 13 December 2019. Collection method: clinical testing. Allele origin: germline.

Illumina Laboratory Services, Illumina
Classification: Uncertain significance for Early-onset myopathy with fatal cardiomyopathy. Last evaluated: 2018-01-13. Review status: criteria provided, single submitter. Criteria: ICSL Variant Classification Criteria 13 December 2019. Collection method: clinical testing. Allele origin: germline.

Laboratory for Molecular Medicine, Mass General Brigham Personalized Medicine
Classification: Likely benign. Last evaluated: 2015-01-29. Review status: criteria provided, single submitter. Criteria: LMM Criteria. Collection method: clinical testing. Allele origin: germline. Observed: 3 variant alleles.
Comment: p.Glu3396Glu in exon 44 of TTN: This variant is not expected to have clinical si gnificance because it does not alter an amino acid residue, and is not located w ithin the splice consensus sequence. It has been identified in 0.1% (17/16504) o f South Asian chromosomes by the Exome Aggregation Consortium (ExAC .; dbSNP rs183336802).

GeneDx
Classification: Benign. Last evaluated: 2014-08-26. Review status: criteria provided, single submitter. Criteria: GeneDx Variant Classification (06012015). Collection method: clinical testing. Allele origin: germline. Affected: yes.
Comment: This variant is considered likely benign or benign based on one or more of the following criteria: it is a conservative change, it occurs at a poorly conserved position in the protein, it is predicted to be benign by multiple in silico algorithms, and/or has population frequency not consistent with disease.

Clinical Genetics DNA and cytogenetics Diagnostics Lab, Erasmus MC, Erasmus Medical Center
Classification: Likely benign. Review status: no assertion criteria provided. Collection method: clinical testing. Allele origin: germline. Affected: yes. Study: VKGL Data-share Consensus. Not counted in ClinVar's aggregate classification.

Clinical Genetics, Academic Medical Center
Classification: Benign. Review status: no assertion criteria provided. Collection method: clinical testing. Allele origin: germline. Affected: yes. Study: VKGL Data-share Consensus. Not counted in ClinVar's aggregate classification.

Diagnostic Laboratory, Department of Genetics, University Medical Center Groningen
Classification: Likely benign. Review status: no assertion criteria provided. Collection method: clinical testing. Allele origin: germline. Affected: yes. Study: VKGL Data-share Consensus. Not counted in ClinVar's aggregate classification.

Joint Genome Diagnostic Labs from Nijmegen and Maastricht, Radboudumc and MUMC+
Classification: Benign. Review status: no assertion criteria provided. Collection method: clinical testing. Allele origin: germline. Affected: yes. Study: VKGL Data-share Consensus. Not counted in ClinVar's aggregate classification.